The following is an entry in ClinVar:

ClinVar aggregate classification (germline): Benign. Review status: criteria provided, multiple submitters, no conflicts (2 of 4 stars). 3 submissions from 2 submitters: Benign (3). Last evaluated 2018-01-13.

Conditions:
Lethal multiple pterygium syndrome (LMPS). Identifiers: Orphanet 33108, MedGen C1854678, MONDO:0009668, OMIM 253290.
Autosomal recessive multiple pterygium syndrome. Also called: PTERYGIUM COLLI SYNDROME; PTERYGIUM SYNDROME; PTERYGIUM UNIVERSALE; MULTIPLE PTERYGIUM SYNDROME, ESCOBAR VARIANT. Identifiers: Orphanet 2990, MedGen C0265261, MONDO:0009926, OMIM 265000.

Allele frequency attached by ClinVar (database versions not stated): 1000 Genomes Project 30x 0.15662; 1000 Genomes Project 0.15735; TOPMed 0.17853; gnomAD 0.18514 and 0.18522; gnomAD exomes 0.19820.
gnomAD v4.1: 36,426 of 193,184 alleles (19%); highest among the groups gnomAD compares: Middle Eastern, 27%; 3,873 homozygotes.

Submissions (3):

Illumina Laboratory Services, Illumina
Classification: Benign for Autosomal recessive multiple pterygium syndrome. Last evaluated: 2018-01-13. Review status: criteria provided, single submitter. Criteria: ICSL Variant Classification Criteria 13 December 2019. Collection method: clinical testing. Allele origin: germline.
Comment: This variant was observed in the ICSL laboratory as part of a predisposition screen in an ostensibly healthy population. It had not been previously curated by ICSL or reported in the Human Gene Mutation Database (HGMD: prior to June 1st, 2018), and was therefore a candidate for classification through an automated scoring system. Utilizing variant allele frequency, disease prevalence and penetrance estimates, and inheritance mode, an automated score was calculated to assess if this variant is too frequent to cause the disease. Based on the score and internal cut-off values, a variant classified as benign is not then subjected to further curation. The score for this variant resulted in a classification of benign for this disease.

Illumina Laboratory Services, Illumina
Classification: Benign for Lethal multiple pterygium syndrome. Last evaluated: 2018-01-13. Review status: criteria provided, single submitter. Criteria: ICSL Variant Classification Criteria 13 December 2019. Collection method: clinical testing. Allele origin: germline.
Comment: the same text as in the submission from Illumina Laboratory Services, Illumina above.

Breakthrough Genomics
Classification: Benign. Review status: criteria provided, single submitter. Criteria: ACMG Guidelines, 2015. Collection method: not provided. Allele origin: germline. Inheritance: Autosomal recessive inheritance. Affected: yes.

NM_005199.5(CHRNG):c.*496A>G

Genes: TIGD1 (tigger transposable element derived 1; minus strand), CHRNG (cholinergic receptor nicotinic gamma subunit; plus strand). Cytogenetic location: 2q37.1.
Variant type: single nucleotide variant.
Coding change: c.*496A>G on transcript NM_005199.5 (MANE Select); 496 bases downstream of the stop codon, A replaced by G.
Molecular consequence: 3 prime UTR variant.
Genome position (GRCh38, 1-based): chr2:232,546,212, A>G. VCF-style: chr2-232546212-A-G. GRCh37 (hg19) VCF-style: chr2-233410922-A-G.
Identifiers: ClinVar variation 335021 (VCV000335021.6), dbSNP rs72991937, ClinGen allele CA10614851.